The following is an entry in ClinVar:

NM_000136.3(FANCC):c.1327A>G (p.Met443Val)

Genes: FANCC (FA complementation group C; minus strand), AOPEP (aminopeptidase O (putative); plus strand). Cytogenetic location: 9q22.32.
Variant type: single nucleotide variant.
Coding change: c.1327A>G on transcript NM_000136.3 (MANE Select); coding-DNA position 1327, A replaced by G.
Protein change: p.Met443Val; replaces methionine 443 with valine.
Molecular consequence: missense variant.
Genome position (GRCh38, 1-based): chr9:95,111,465, T>C on the plus strand (A>G on the coding strand, the complement: FANCC is on the minus strand). VCF-style: chr9-95111465-T-C. GRCh37 (hg19) VCF-style: chr9-97873747-T-C.
Other names: c.1327A>G, p.Met443Val (NM_001243743.2, NM_001243744.2); short protein forms M443V.
Identifiers: ClinVar variation 234476 (VCV000234476.20), dbSNP rs150941781, ClinGen allele CA5137400.
Genomic context (GRCh38, chr9:95,111,465, plus strand): 5'-GCTCCTCTCAGCCCCCCAGAGCCCACCCCAAACACATGCAGTGGGGCCTGCTACCCACCA[T>C]AGTCTGTGCTCTCTGCTGCCTCCCATCACGGGGGCCGTAGTAGAAGGCCAAGAGCCACAG-3'
Protein context (NP_000127.2, residues 433-453): RDGRQQRAQT[Met443Val]VQVKAVLGHL

ClinVar aggregate classification (germline): Uncertain significance. Review status: criteria provided, multiple submitters, no conflicts (2 of 4 stars). 4 submissions from 4 submitters: Uncertain significance (3). 1 of the submissions does not count toward it. Last evaluated 2024-03-13.

Conditions:
Hereditary cancer-predisposing syndrome. Also called: Hereditary neoplastic syndrome; Hereditary Cancer Syndrome; Neoplastic Syndromes, Hereditary; Tumor predisposition. Identifiers: Orphanet 140162, MedGen C0027672, MeSH D009386, MONDO:0015356.
Fanconi anemia (FA). Also called: Fanconi's anemia. Identifiers: Orphanet 84, MedGen C0015625, MeSH D005199, MONDO:0019391.

Allele frequency attached by ClinVar (database versions not stated): gnomAD 0.00001; gnomAD exomes 0.00001 and 0.00006; TOPMed 0.00001; ExAC 0.00002; ESP Exome Variant Server 0.00008.
gnomAD v4.1: 86 of 1,612,410 alleles (0.0053%); highest among the groups gnomAD compares: Non-Finnish European, 0.0072%; no homozygotes.

Submissions (4):

Ambry Genetics
Classification: Uncertain significance for Hereditary cancer-predisposing syndrome. Last evaluated: 2024-03-13. Review status: criteria provided, single submitter. Criteria: Ambry Variant Classification Scheme 2023. Collection method: clinical testing. Allele origin: germline.
Comment: The p.M443V variant (also known as c.1327A>G), located in coding exon 12 of the FANCC gene, results from an A to G substitution at nucleotide position 1327. The methionine at codon 443 is replaced by valine, an amino acid with highly similar properties. This amino acid position is well conserved in available vertebrate species. In addition, this alteration is predicted to be tolerated by in silico analysis. Since supporting evidence is limited at this time, the clinical significance of this alteration remains unclear.

GeneDx
Classification: Uncertain significance. Last evaluated: 2023-12-07. Review status: criteria provided, single submitter. Criteria: GeneDx Variant Classification Process June 2021. Collection method: clinical testing. Allele origin: germline. Affected: yes.
Comment: Not observed at significant frequency in large population cohorts (gnomAD); In silico analysis supports that this missense variant does not alter protein structure/function; Has not been previously published as pathogenic or benign to our knowledge

Labcorp Genetics (formerly Invitae), Labcorp
Classification: Uncertain significance for Fanconi anemia. Last evaluated: 2022-08-09. Review status: criteria provided, single submitter. Criteria: Invitae Variant Classification Sherloc (09022015). Collection method: clinical testing. Allele origin: germline.
Comment: This sequence change replaces methionine, which is neutral and non-polar, with valine, which is neutral and non-polar, at codon 443 of the FANCC protein (p.Met443Val). This variant is present in population databases (rs150941781, gnomAD 0.003%). This variant has not been reported in the literature in individuals affected with FANCC-related conditions. ClinVar contains an entry for this variant (Variation ID: 234476). Algorithms developed to predict the effect of missense changes on protein structure and function are either unavailable or do not agree on the potential impact of this missense change (SIFT: "Tolerated"; PolyPhen-2: "Probably Damaging"; Align-GVGD: "Class C0"). In summary, the available evidence is currently insufficient to determine the role of this variant in disease. Therefore, it has been classified as a Variant of Uncertain Significance.

Natera, Inc.
Classification: Uncertain significance for Fanconi anemia. Last evaluated: 2018-11-26. Review status: no assertion criteria provided. Collection method: clinical testing. Allele origin: germline. Not counted in ClinVar's aggregate classification.